The following is an entry in ClinVar:

NM_000059.4(BRCA2):c.1760_1763del (p.Thr587fs)

Gene: BRCA2 (BRCA2 DNA repair associated; plus strand). Cytogenetic location: 13q13.1.
Variant type: Deletion.
Coding change: c.1760_1763del on transcript NM_000059.4 (MANE Select); coding-DNA positions 1760 to 1763, 4 bases deleted (CAAA; older notation c.1760_1763delCAAA).
Protein change: p.Thr587fs; shifts the reading frame from threonine 587.
Molecular consequence: frameshift variant. On other transcripts: non-coding transcript variant (1), intron variant (1).
Genome position (GRCh38, 1-based): chr13:32,333,238-32,333,241, CAAA deleted; deleting any 4 consecutive bases within chr13:32,333,235-32,333,241 gives the same sequence; the c. name uses the placement nearest the transcript's 3' end. VCF-style (leftmost placement, unchanged base first): chr13-32333234-AAAAC-A. GRCh37 (hg19) VCF-style: chr13-32907371-AAAAC-A.
Other names: c.1760_1763del, p.Thr587fs (NM_001406719.1, NM_001406720.1, NM_001406721.1 and 1 more transcripts); c.424+2208_424+2211del (NM_001406722.1); short protein forms T587fs.
Identifiers: ClinVar variation 3992763 (VCV003992763.1).
Genomic context (GRCh38, chr13:32,333,234, plus strand): 5'-ACCACCACACAGAATTCTGTAGCTTTGAAGAATGCAGGTTTAATATCCACTTTGAAAAAG[AAAAC>A]AAATAAGTTTATTTATGCTATACATGATGAAACATCTTATAAAGGAAAAAAAATACCGAA-3'

ClinVar aggregate classification (germline): Pathogenic (1 of 4 stars; one submission).

Conditions:
Hereditary cancer-predisposing syndrome. Also called: Tumor predisposition; Hereditary neoplastic syndrome; Neoplastic Syndromes, Hereditary; Hereditary Cancer Syndrome. Identifiers: Orphanet 140162, MedGen C0027672, MeSH D009386, MONDO:0015356.

Submission:

Ambry Genetics
Classification: Pathogenic for Hereditary cancer-predisposing syndrome. Last evaluated: 2025-03-26. Review status: criteria provided, single submitter. Criteria: Ambry Variant Classification Scheme 2023. Collection method: clinical testing. Allele origin: germline.
Comment: The c.1760_1763delCAAA pathogenic mutation, located in coding exon 9 of the BRCA2 gene, results from a deletion of 4 nucleotides at nucleotide positions 1760 to 1763, causing a translational frameshift with a predicted alternate stop codon (p.T587Ifs*26). This variant is considered to be rare based on population cohorts in the Genome Aggregation Database (gnomAD). This alteration is expected to result in loss of function by premature protein truncation or nonsense-mediated mRNA decay. As such, this alteration is interpreted as a disease-causing mutation.